The following is an entry in ClinVar:

NM_005006.7(NDUFS1):c.1256G>A (p.Arg419Gln)

Gene: NDUFS1 (NADH:ubiquinone oxidoreductase core subunit S1; minus strand). Cytogenetic location: 2q33.3.
Variant type: single nucleotide variant.
Coding change: c.1256G>A on transcript NM_005006.7 (MANE Select); coding-DNA position 1256, G replaced by A.
Protein change: p.Arg419Gln; replaces arginine 419 with glutamine.
Molecular consequence: missense variant.
Genome position (GRCh38, 1-based): chr2:206,141,947, C>T on the plus strand (G>A on the coding strand, the complement: NDUFS1 is on the minus strand). VCF-style: chr2-206141947-C-T. GRCh37 (hg19) VCF-style: chr2-207006671-C-T.
Other names: c.1148G>A, p.Arg383Gln (NM_001199981.2); c.923G>A, p.Arg308Gln (NM_001199982.2); c.1085G>A, p.Arg362Gln (NM_001199983.2); c.1298G>A, p.Arg433Gln (NM_001199984.2); short protein forms R308Q, R419Q, R362Q, R383Q, R433Q.
Identifiers: ClinVar variation 801856 (VCV000801856.5), dbSNP rs776114731, ClinGen allele CA2070515.

ClinVar aggregate classification (germline): Conflicting classifications of pathogenicity. Review status: criteria provided, conflicting classifications (1 of 4 stars). 3 submissions from 3 submitters: Likely pathogenic (2); Uncertain significance (1). Last evaluated 2023-11-10.

Conditions:
Mitochondrial complex I deficiency, nuclear type 5. Also called: Mitochondrial complex 1 deficiency, nuclear type 5. Identifiers: MedGen C4748754, MONDO:0032610, OMIM 618226.
Leigh syndrome (NULS). Also called: Leigh Syndrome (mtDNA deletion); Leigh Disease; Subacute necrotizing encephalopathy; LEIGH SYNDROME, NUCLEAR; Necrotizing encephalopathy infantile subacute of Leigh; Leigh's necrotizing encephalopathy. Identifiers: Orphanet 506, MedGen C2931891, MONDO:0009723, OMIM 256000.

Allele frequency attached by ClinVar (database versions not stated): gnomAD 0.00001; gnomAD exomes 0.00001; TOPMed 0.00001; ExAC 0.00002.
gnomAD v4.1: 9 of 1,610,986 alleles (0.00056%); highest among the groups gnomAD compares: Admixed American, 0.0067%; no homozygotes.

Submissions (3):

Laboratorio de Genetica e Diagnostico Molecular, Hospital Israelita Albert Einstein
Classification: Likely pathogenic for Mitochondrial complex I deficiency, nuclear type 5. Last evaluated: 2023-11-10. Review status: criteria provided, single submitter. Criteria: ACMG Guidelines, 2015. Collection method: clinical testing. Allele origin: germline. Affected: yes.
Comment: ACMG classification criteria: PM2 moderate, PM3 strong

Labcorp Genetics (formerly Invitae), Labcorp
Classification: Uncertain significance. Last evaluated: 2021-12-02. Review status: criteria provided, single submitter. Criteria: Invitae Variant Classification Sherloc (09022015). Collection method: clinical testing. Allele origin: germline.
Comment: In summary, the available evidence is currently insufficient to determine the role of this variant in disease. Therefore, it has been classified as a Variant of Uncertain Significance. Algorithms developed to predict the effect of missense changes on protein structure and function (SIFT, PolyPhen-2, Align-GVGD) all suggest that this variant is likely to be disruptive. ClinVar contains an entry for this variant (Variation ID: 801856). This variant has not been reported in the literature in individuals affected with NDUFS1-related conditions. This variant is present in population databases (rs776114731, gnomAD 0.009%). This sequence change replaces arginine, which is basic and polar, with glutamine, which is neutral and polar, at codon 419 of the NDUFS1 protein (p.Arg419Gln).

Mendelics
Classification: Likely pathogenic for Leigh syndrome. Last evaluated: 2019-05-28. Review status: criteria provided, single submitter. Criteria: Mendelics Assertion Criteria 2017. Collection method: clinical testing. Allele origin: unknown.